The following is an entry in ClinVar:

ClinVar aggregate classification (germline): Uncertain significance. Review status: criteria provided, single submitter (1 of 4 stars). 2 submissions from 2 submitters: Uncertain significance (1). 1 of the submissions does not count toward it. Last evaluated 2021-08-01.

Conditions:
SIN3A-related disorder. Also called: SIN3A-related condition.

Allele frequency attached by ClinVar (database versions not stated): gnomAD exomes below 0.00001.

Submissions (2):

CeGaT Center for Human Genetics Tuebingen
Classification: Uncertain significance. Last evaluated: 2021-08-01. Review status: criteria provided, single submitter. Criteria: CeGaT Center For Human Genetics Tuebingen Variant Classification Criteria Version 2. Collection method: clinical testing. Allele origin: germline. Affected: yes. Observed: 1 variant allele.

PreventionGenetics, part of Exact Sciences
Classification: Uncertain significance for SIN3A-related condition. Last evaluated: 2024-01-26. Review status: no assertion criteria provided. Collection method: clinical testing. Allele origin: germline. Not counted in ClinVar's aggregate classification.
Comment: The SIN3A c.529G>A variant is predicted to result in the amino acid substitution p.Asp177Asn. To our knowledge, this variant has not been reported in the literature or in a large population database, indicating this variant is rare. At this time, the clinical significance of this variant is uncertain due to the absence of conclusive functional and genetic evidence.

NM_001145358.2(SIN3A):c.529G>A (p.Asp177Asn)

Gene: SIN3A (SIN3 transcription regulator family member A; minus strand). Cytogenetic location: 15q24.2.
Variant type: single nucleotide variant.
Coding change: c.529G>A on transcript NM_001145358.2 (MANE Select); coding-DNA position 529, G replaced by A.
Protein change: p.Asp177Asn; replaces aspartic acid 177 with asparagine.
Molecular consequence: missense variant.
Genome position (GRCh38, 1-based): chr15:75,412,990, C>T on the plus strand (G>A on the coding strand, the complement: SIN3A is on the minus strand). VCF-style: chr15-75412990-C-T. GRCh37 (hg19) VCF-style: chr15-75705331-C-T.
Other names: c.529G>A, p.Asp177Asn (NM_001145357.2, NM_015477.3); c.529G>A (NM_001145358.1); short protein forms D177N.
Identifiers: ClinVar variation 1298630 (VCV001298630.36), dbSNP rs2141499322, ClinGen allele CA393451704.
Genomic context (GRCh38, chr15:75,412,990, plus strand): 5'-TGGTTTGCACCTCAATTTTGTAGCCAGGGGGCAAGAAGGTGTTGAATCCCATTATCAGAT[C>T]GGGGTGGCCTTTGAATAGCTGGGACACACGACTAATCACTCCTGGGGTGTCGATGCTGAT-3'
Protein context (NP_001138830.1, residues 167-187): RVSQLFKGHP[Asp177Asn]LIMGFNTFLP